The following is an entry in ClinVar:

ClinVar aggregate classification (germline): Uncertain significance. Review status: criteria provided, multiple submitters, no conflicts (2 of 4 stars). 2 submissions from 2 submitters: Uncertain significance (2). Last evaluated 2023-12-09.

Conditions:
Inborn genetic diseases. Identifiers: MedGen C0950123, MeSH D030342.

Allele frequency attached by ClinVar (database versions not stated): TOPMed below 0.00001; gnomAD 0.00001.
gnomAD v4.1: 4 of 1,603,812 alleles (0.00025%); highest among the groups gnomAD compares: Middle Eastern, 0.016%; no homozygotes.

Submissions (2):

Ambry Genetics
Classification: Uncertain significance for Inborn genetic diseases. Last evaluated: 2023-12-09. Review status: criteria provided, single submitter. Criteria: Ambry Variant Classification Scheme 2023. Collection method: clinical testing. Allele origin: germline.

CeGaT Center for Human Genetics Tuebingen
Classification: Uncertain significance. Last evaluated: 2023-02-01. Review status: criteria provided, single submitter. Criteria: CeGaT Center For Human Genetics Tuebingen Variant Classification Criteria Version 2. Collection method: clinical testing. Allele origin: germline. Affected: yes. Observed: 1 variant allele.
Comment: NPRL3: PM2, BP4

NM_001077350.3(NPRL3):c.106G>A (p.Ala36Thr)

Genes: HBA-LCR (alpha-globin locus control region; plus strand), NPRL3 (NPR3 like, GATOR1 complex subunit; minus strand). Cytogenetic location: 16p13.3.
Variant type: single nucleotide variant.
Coding change: c.106G>A on transcript NM_001077350.3 (MANE Select); coding-DNA position 106, G replaced by A.
Protein change: p.Ala36Thr; replaces alanine 36 with threonine.
Molecular consequence: missense variant. On other transcripts: 5 prime UTR variant (2).
Genome position (GRCh38, 1-based): chr16:138,162, C>T on the plus strand (G>A on the coding strand, the complement: NPRL3 is on the minus strand). VCF-style: chr16-138162-C-T. GRCh37 (hg19) VCF-style: chr16-188161-C-T.
Other names: c.-227G>A (NM_001039476.3); c.-266G>A (NM_001243247.2); c.106G>A, p.Ala36Thr (NM_001243248.2, NM_001243249.2); c.106G>A (NM_001077350.2); short protein forms A36T.
Identifiers: ClinVar variation 2645772 (VCV002645772.25), dbSNP rs1418799391, ClinGen allele CA393999500.
Genomic context (GRCh38, chr16:138,162, plus strand): 5'-ATGAGGCGGCCCCCGCGAGCGCCAGGCCCCCGCCCAGCGCTCACTTACTTGTCTGGGACG[C>T]CGGGTGCTCCTGGCTTCTCTGGAAGGGGTACCTGAACAGCAGCTTATTGCCCCTGCTCCC-3'
Protein context (NP_001070818.1, residues 26-46): YPFQRSQEHP[Ala36Thr]SQTSKPRSRY